The following is an entry in ClinVar:

ClinVar aggregate classification (germline): Likely pathogenic (1 of 4 stars; one submission).

Conditions:
Retinitis pigmentosa 62 (RP62). Identifiers: Orphanet 791, MedGen C3280042, MONDO:0013611, OMIM 614181.

Submission:

Ocular Genomics Institute, Massachusetts Eye and Ear
Classification: Likely pathogenic for Retinitis pigmentosa 62. Last evaluated: 2021-04-08. Review status: criteria provided, single submitter. Criteria: ACMG Guidelines, 2015. Collection method: research. Allele origin: germline. Affected: yes.
Comment: Through a review of available evidence we were able to apply the following criteria: PM2, PVS1. Based on this evidence we have classified this variant as Likely Pathogenic.

NM_001242957.3(MAK):c.366dup (p.His123fs)

Gene: MAK (male germ cell associated kinase; minus strand). Cytogenetic location: 6p24.2.
Variant type: Duplication.
Coding change: c.366dup on transcript NM_001242957.3 (MANE Select); coding-DNA position 366, one base duplicated (T; older notation c.366dupT).
Protein change: p.His123fs; shifts the reading frame from histidine 123.
Molecular consequence: frameshift variant. On other transcripts: non-coding transcript variant (2).
Genome position (GRCh38, 1-based): chr6:10,808,935, A duplicated on the plus strand (T on the coding strand, the reverse complement: MAK is on the minus strand); the first of 6 consecutive A bases (chr6:10,808,935-10,808,940); duplicating any one gives the same sequence. VCF-style (leftmost placement, unchanged base first): chr6-10808934-G-GA. GRCh37 (hg19) VCF-style: chr6-10809167-G-GA.
Other names: c.366dup, p.His123fs (NM_001242385.2, NM_005906.6); c.264dup, p.His89fs (NM_001377262.1); short protein forms H123fs, H89fs.
Identifiers: ClinVar variation 1065774 (VCV001065774.1), dbSNP rs1776708973, ClinGen allele CA1610143598.